The following is an entry in ClinVar:

NM_000884.3(IMPDH2):c.1465_1470del (p.Lys489_Phe490del)

Gene: IMPDH2 (inosine monophosphate dehydrogenase 2; minus strand). Cytogenetic location: 3p21.31.
Variant type: Deletion.
Coding change: c.1465_1470del on transcript NM_000884.3 (MANE Select); coding-DNA positions 1465 to 1470, 6 bases deleted (AAGTTT; older notation c.1465_1470delAAGTTT).
Protein change: p.Lys489_Phe490del.
Molecular consequence: inframe deletion.
Genome position (GRCh38, 1-based): chr3:49,024,548-49,024,553, AAACTT deleted on the plus strand (AAGTTT on the coding strand, the reverse complement: IMPDH2 is on the minus strand); deleting any 6 consecutive bases within chr3:49,024,548-49,024,555 gives the same sequence; the c. name uses the placement nearest the transcript's 3' end. VCF-style (leftmost placement, unchanged base first): chr3-49024547-CAAACTT-C. GRCh37 (hg19) VCF-style: chr3-49061980-CAAACTT-C.
Other names: c.1537_1542del, p.Lys513_Phe514del (NM_001410759.1); c.1462_1467del, p.Lys488_Phe489del (NM_001410760.1); c.1390_1395del, p.Lys464_Phe465del (NM_001410761.1).
Identifiers: ClinVar variation 2758699 (VCV002758699.3), dbSNP rs2471626657, ClinGen allele CA2697550886.

ClinVar aggregate classification (germline): Uncertain significance (1 of 4 stars; one submission).

Submission:

Labcorp Genetics (formerly Invitae), Labcorp
Classification: Uncertain significance. Last evaluated: 2023-09-07. Review status: criteria provided, single submitter. Criteria: Invitae Variant Classification Sherloc (09022015). Collection method: clinical testing. Allele origin: germline.
Comment: This variant, c.1465_1470del, results in the deletion of 2 amino acid(s) of the IMPDH2 protein (p.Lys489_Phe490del), but otherwise preserves the integrity of the reading frame. This variant is not present in population databases (gnomAD no frequency). This variant has not been reported in the literature in individuals affected with IMPDH2-related conditions. Experimental studies and prediction algorithms are not available or were not evaluated, and the functional significance of this variant is currently unknown. In summary, the available evidence is currently insufficient to determine the role of this variant in disease. Therefore, it has been classified as a Variant of Uncertain Significance.